The following is an entry in ClinVar:

NM_000430.4(PAFAH1B1):c.286C>T (p.Pro96Ser)

Gene: PAFAH1B1 (platelet activating factor acetylhydrolase 1b regulatory subunit 1; plus strand). Cytogenetic location: 17p13.3.
Variant type: single nucleotide variant.
Coding change: c.286C>T on transcript NM_000430.4 (MANE Select); coding-DNA position 286, C replaced by T.
Protein change: p.Pro96Ser; replaces proline 96 with serine.
Molecular consequence: missense variant.
Genome position (GRCh38, 1-based): chr17:2,667,085, C>T. VCF-style: chr17-2667085-C-T. GRCh37 (hg19) VCF-style: chr17-2570379-C-T.
Other names: short protein forms P96S.
Identifiers: ClinVar variation 5016452 (VCV005016452.1).

ClinVar aggregate classification (germline): Likely pathogenic (1 of 4 stars; one submission).

Conditions:
Fetal anomalies with a likely genetic cause.

Submission:

Genetics Laboratory, Great Ormond Street Hospital NHS Foundation Trust, North Thames Genomic Laboratory Hub
Classification: Likely pathogenic for Fetal anomalies with a likely genetic cause. Last evaluated: 2026-08-08. Review status: criteria provided, single submitter. Criteria: ACGS Best Practice Guidelines for Variant Classification in Rare Disease 2024 v1.2. Collection method: clinical testing. Allele origin: germline. Affected: yes.
Comment: PS4_supporting, PM2_moderate, PM5_supporting, PP2_supporting, PS2_supporting